The following is an entry in ClinVar:

ClinVar aggregate classification (germline): Uncertain significance (1 of 4 stars; one submission).

Submission:

Ambry Genetics
Classification: Uncertain significance. Last evaluated: 2022-09-25. Review status: criteria provided, single submitter. Criteria: Ambry Variant Classification Scheme 2023. Collection method: clinical testing. Allele origin: germline.
Comment: The p.S31N variant (also known as c.92G>A), located in coding exon 2 of the NPAT gene, results from a G to A substitution at nucleotide position 92. The serine at codon 31 is replaced by asparagine, an amino acid with highly similar properties. This amino acid position is conserved. In addition, this alteration is predicted to be tolerated by in silico analysis. Since supporting evidence is limited at this time, the clinical significance of this alteration remains unclear.

NM_002519.3(NPAT):c.92G>A (p.Ser31Asn)

Gene: NPAT (nuclear protein, coactivator of histone transcription; minus strand). Cytogenetic location: 11q22.3.
Variant type: single nucleotide variant.
Coding change: c.92G>A on transcript NM_002519.3 (MANE Select); coding-DNA position 92, G replaced by A.
Protein change: p.Ser31Asn; replaces serine 31 with asparagine.
Molecular consequence: missense variant.
Genome position (GRCh38, 1-based): chr11:108,197,366, C>T on the plus strand (G>A on the coding strand, the complement: NPAT is on the minus strand). VCF-style: chr11-108197366-C-T. GRCh37 (hg19) VCF-style: chr11-108068093-C-T.
Other names: c.92G>A, p.Ser31Asn (NM_001321307.1); short protein forms S31N.
Identifiers: ClinVar variation 1766496 (VCV001766496.2), dbSNP rs2078233051, ClinGen allele CA382528386.